The following is an entry in ClinVar:

NM_001030.6(RPS27):c.90C>G (p.Ser30=)

Genes: RPS27 (ribosomal protein S27; plus strand), LOC126805872 (BRD4-independent group 4 enhancer GRCh37_chr1:153962963-153964162; plus strand). Cytogenetic location: 1q21.3.
Variant type: single nucleotide variant.
Coding change: c.90C>G on transcript NM_001030.6 (MANE Select); coding-DNA position 90, C replaced by G.
Protein change: p.Ser30=; no amino-acid change (serine 30 retained).
Molecular consequence: synonymous variant. On other transcripts: 5 prime UTR variant (2).
Genome position (GRCh38, 1-based): chr1:153,991,198, C>G. VCF-style: chr1-153991198-C-G. GRCh37 (hg19) VCF-style: chr1-153963674-C-G.
Other names: c.-7C>G (NM_001349946.2, NM_001349947.2).
Identifiers: ClinVar variation 2118242 (VCV002118242.4), dbSNP rs1649376584, ClinGen allele CA420949196.
Genomic context (GRCh38, chr1:153,991,198, plus strand): 5'-CTCTCCAGAAGAGGAGAAGAGGAAACACAAGAAGAAACGCCTGGTGCAGAGCCCCAATTC[C>G]TACTTCATGGATGTGAAATGCCCAGGTGAGGAGACGGCTTGCTGTAGTGGGGAAAGCACT-3'
Protein context (NP_001021.1, residues 20-40): KKKRLVQSPN[Ser30=]YFMDVKCPGC

ClinVar aggregate classification (germline): Uncertain significance (1 of 4 stars; one submission).

Allele frequency attached by ClinVar (database versions not stated): TOPMed 0.00001.
gnomAD v4.1: 10 of 1,599,166 alleles (0.00063%); highest among the groups gnomAD compares: African/African-American, 0.0013%; no homozygotes.

Submission:

Labcorp Genetics (formerly Invitae), Labcorp
Classification: Uncertain significance. Last evaluated: 2022-09-01. Review status: criteria provided, single submitter. Criteria: Invitae Variant Classification Sherloc (09022015). Collection method: clinical testing. Allele origin: germline.
Comment: This variant is not present in population databases (gnomAD no frequency). In summary, the available evidence is currently insufficient to determine the role of this variant in disease. Therefore, it has been classified as a Variant of Uncertain Significance. This variant has not been reported in the literature in individuals affected with RPS27-related conditions. This sequence change affects codon 30 of the RPS27 mRNA. It is a 'silent' change, meaning that it does not change the encoded amino acid sequence of the RPS27 protein.